The following is an entry in ClinVar:

ClinVar aggregate classification (germline): Uncertain significance (1 of 4 stars; one submission).

Conditions:
GDF1-related disorder. Also called: GDF1-related condition.

gnomAD v4.1: 1 of 1,529,072 alleles (0.000065%); highest among the groups gnomAD compares: African/African-American, 0.0014%; no homozygotes.

Submission:

PreventionGenetics, part of Exact Sciences
Classification: Uncertain significance for GDF1-related condition. Last evaluated: 2025-10-24. Review status: criteria provided, single submitter. Criteria: ACMG Guidelines, 2015. Collection method: clinical testing. Allele origin: germline.
Comment: The GDF1 c.337C>G variant is predicted to result in the amino acid substitution p.Arg113Gly. To our knowledge, this variant has not been reported in the literature or in a large population database (gnomAD), indicating this variant is rare. At this time, the clinical significance of this variant is uncertain due to the absence of conclusive functional and genetic evidence.

NM_001492.6(GDF1):c.337C>G (p.Arg113Gly)

Genes: CERS1 (ceramide synthase 1; minus strand), GDF1 (growth differentiation factor 1; minus strand). Cytogenetic location: 19p13.11.
Variant type: single nucleotide variant.
Coding change: c.337C>G on transcript NM_001492.6 (MANE Select); coding-DNA position 337, C replaced by G.
Protein change: p.Arg113Gly; replaces arginine 113 with glycine.
Molecular consequence: missense variant. On other transcripts: 3 prime UTR variant (2).
Genome position (GRCh38, 1-based): chr19:18,869,379, G>C on the plus strand (C>G on the coding strand, the complement: GDF1 is on the minus strand). VCF-style: chr19-18869379-G-C. GRCh37 (hg19) VCF-style: chr19-18980188-G-C.
Other names: c.*1198C>G (NM_001387440.1); c.*606C>G (NM_021267.5); c.337C>G, p.Arg113Gly (NM_001387438.1); short protein forms R113G.
Identifiers: ClinVar variation 4987094 (VCV004987094.1).